The following is an entry in ClinVar:

ClinVar aggregate classification (germline): Pathogenic (1 of 4 stars; one submission).

Submission:

Labcorp Genetics (formerly Invitae), Labcorp
Classification: Pathogenic. Last evaluated: 2023-01-01. Review status: criteria provided, single submitter. Criteria: Invitae Variant Classification Sherloc (09022015). Collection method: clinical testing. Allele origin: germline.
Comment: For these reasons, this variant has been classified as Pathogenic. This variant has not been reported in the literature in individuals affected with TG-related conditions. This variant is not present in population databases (gnomAD no frequency). This sequence change creates a premature translational stop signal (p.Gln2525*) in the TG gene. It is expected to result in an absent or disrupted protein product. Loss-of-function variants in TG are known to be pathogenic (PMID: 19837936, 23164529).

Literature cited by the submitters: PubMed 19837936; PubMed 23164529.

NM_003235.5(TG):c.7573C>T (p.Gln2525Ter)

Gene: TG (thyroglobulin; plus strand). Cytogenetic location: 8q24.22.
Variant type: single nucleotide variant.
Coding change: c.7573C>T on transcript NM_003235.5 (MANE Select); coding-DNA position 7573, C replaced by T.
Protein change: p.Gln2525Ter; replaces glutamine 2525 with a stop codon.
Molecular consequence: nonsense.
Genome position (GRCh38, 1-based): chr8:133,113,422, C>T. VCF-style: chr8-133113422-C-T. GRCh37 (hg19) VCF-style: chr8-134125666-C-T.
Other names: short protein forms Q2525*.
Identifiers: ClinVar variation 2825713 (VCV002825713.3), dbSNP rs2537716968, ClinGen allele CA372249646.